The following is an entry in ClinVar:

NM_032608.7(MYO18B):c.6854G>A (p.Gly2285Glu)

Gene: MYO18B (myosin XVIIIB; plus strand). Cytogenetic location: 22q12.1.
Variant type: single nucleotide variant.
Coding change: c.6854G>A on transcript NM_032608.7 (MANE Select); coding-DNA position 6854, G replaced by A.
Protein change: p.Gly2285Glu; replaces glycine 2285 with glutamic acid.
Molecular consequence: missense variant.
Genome position (GRCh38, 1-based): chr22:26,026,828, G>A. VCF-style: chr22-26026828-G-A. GRCh37 (hg19) VCF-style: chr22-26422794-G-A.
Other names: c.6854G>A (NM_032608.6, NM_032608.5); c.6857G>A, p.Gly2286Glu (NM_001318245.2); short protein forms G2285E, G2286E.
Identifiers: ClinVar variation 1648217 (VCV001648217.11), dbSNP rs200858786, ClinGen allele CA10161634.

ClinVar aggregate classification (germline): Conflicting classifications of pathogenicity. Review status: criteria provided, conflicting classifications (1 of 4 stars). 4 submissions from 4 submitters: Uncertain significance (1); Likely benign (2). 1 of the submissions does not count toward it. Last evaluated 2026-01-19.

Conditions:
Inborn genetic diseases. Identifiers: MedGen C0950123, MeSH D030342.
MYO18B-related disorder. Also called: MYO18B-related condition.

Allele frequency attached by ClinVar (database versions not stated): gnomAD exomes 0.00010 and 0.00022; ExAC 0.00032; ESP Exome Variant Server 0.00084; gnomAD 0.00088 and 0.00091; 1000 Genomes Project 0.00100; TOPMed 0.00100; 1000 Genomes Project 30x 0.00141.
gnomAD v4.1: 279 of 1,593,730 alleles (0.018%); highest among the groups gnomAD compares: African/African-American, 0.35%; no homozygotes.

Submissions (4):

Labcorp Genetics (formerly Invitae), Labcorp
Classification: Likely benign. Last evaluated: 2026-01-19. Review status: criteria provided, single submitter. Criteria: Invitae Variant Classification Sherloc (09022015). Collection method: clinical testing. Allele origin: germline.

Ambry Genetics
Classification: Uncertain significance for Inborn genetic diseases. Last evaluated: 2024-08-28. Review status: criteria provided, single submitter. Criteria: Ambry Variant Classification Scheme 2023. Collection method: clinical testing. Allele origin: germline.

Breakthrough Genomics
Classification: Likely benign. Review status: criteria provided, single submitter. Criteria: ACMG Guidelines, 2015. Collection method: not provided. Allele origin: germline. Inheritance: Autosomal recessive inheritance. Affected: yes.

PreventionGenetics, part of Exact Sciences
Classification: Likely benign for MYO18B-related condition. Last evaluated: 2024-06-17. Review status: no assertion criteria provided. Collection method: clinical testing. Allele origin: germline. Not counted in ClinVar's aggregate classification.
Comment: This variant is classified as likely benign based on ACMG/AMP sequence variant interpretation guidelines (Richards et al. 2015 PMID: 25741868, with internal and published modifications).